The following is an entry in ClinVar:

ClinVar aggregate classification (germline): Uncertain significance (1 of 4 stars; one submission).

Submission:

Labcorp Genetics (formerly Invitae), Labcorp
Classification: Uncertain significance. Last evaluated: 2024-03-21. Review status: criteria provided, single submitter. Criteria: Invitae Variant Classification Sherloc (09022015). Collection method: clinical testing. Allele origin: germline.
Comment: This sequence change replaces serine, which is neutral and polar, with arginine, which is basic and polar, at codon 323 of the MSH3 protein (p.Ser323Arg). This variant is not present in population databases (gnomAD no frequency). This variant has not been reported in the literature in individuals affected with MSH3-related conditions. An algorithm developed to predict the effect of missense changes on protein structure and function (PolyPhen-2) suggests that this variant is likely to be disruptive. In summary, the available evidence is currently insufficient to determine the role of this variant in disease. Therefore, it has been classified as a Variant of Uncertain Significance.

NM_002439.5(MSH3):c.969T>A (p.Ser323Arg)

Genes: MSH3 (mutS homolog 3; plus strand), LOC126807437 (MED14-independent group 3 enhancer GRCh37_chr5:79968379-79969578; plus strand). Cytogenetic location: 5q14.1.
Variant type: single nucleotide variant.
Coding change: c.969T>A on transcript NM_002439.5 (MANE Select); coding-DNA position 969, T replaced by A.
Protein change: p.Ser323Arg; replaces serine 323 with arginine.
Molecular consequence: missense variant.
Genome position (GRCh38, 1-based): chr5:80,672,800, T>A. VCF-style: chr5-80672800-T-A. GRCh37 (hg19) VCF-style: chr5-79968619-T-A.
Other names: short protein forms S323R.
Identifiers: ClinVar variation 3646695 (VCV003646695.2).